The following is an entry in ClinVar:

NM_000312.4(PROC):c.797G>A (p.Gly266Glu)

Gene: PROC (protein C, inactivator of coagulation factors Va and VIIIa; plus strand). Cytogenetic location: 2q14.3.
Variant type: single nucleotide variant.
Coding change: c.797G>A on transcript NM_000312.4 (MANE Select); coding-DNA position 797, G replaced by A.
Protein change: p.Gly266Glu; replaces glycine 266 with glutamic acid.
Molecular consequence: missense variant.
Genome position (GRCh38, 1-based): chr2:127,428,357, G>A. VCF-style: chr2-127428357-G-A. GRCh37 (hg19) VCF-style: chr2-128185933-G-A.
Other names: c.980G>A, p.Gly327Glu (NM_001375602.1); c.962G>A, p.Gly321Glu (NM_001375603.1); c.860G>A, p.Gly287Glu (NM_001375604.1); c.899G>A, p.Gly300Glu (NM_001375605.1); c.965G>A, p.Gly322Glu (NM_001375606.1); c.983G>A, p.Gly328Glu (NM_001375607.1); c.740G>A, p.Gly247Glu (NM_001375608.1); c.773G>A, p.Gly258Glu (NM_001375609.1); and 2 more; short protein forms G247E, G321E, G328E, G258E, G287E, G264E, G327E, G266E.
Identifiers: ClinVar variation 2585632 (VCV002585632.2), dbSNP rs2468375906, ClinGen allele CA348404215.

ClinVar aggregate classification (germline): Uncertain significance. Review status: criteria provided, single submitter (1 of 4 stars). 2 submissions from 2 submitters: Uncertain significance (1). 1 of the submissions does not count toward it.

Conditions:
PROC-related disorder. Also called: PROC-related condition.
Thrombophilia due to protein C deficiency, autosomal dominant. Also called: PROC DEFICIENCY, AUTOSOMAL DOMINANT; PROTEIN C DEFICIENCY, AUTOSOMAL DOMINANT. Identifiers: Orphanet 745, MedGen C2674321, MONDO:0008316, OMIM 176860. Disease mechanism: loss of function.

Allele frequency attached by ClinVar (database versions not stated): gnomAD exomes below 0.00001.
gnomAD v4.1: 1 of 1,613,876 alleles (0.000062%); highest among the groups gnomAD compares: Non-Finnish European, 0.000085%; no homozygotes.

Submissions (2):

Neuberg Centre For Genomic Medicine, NCGM
Classification: Uncertain significance for Thrombophilia due to protein C deficiency, autosomal dominant. Review status: criteria provided, single submitter. Criteria: ACMG Guidelines, 2015. Collection method: clinical testing. Allele origin: germline. Inheritance: Autosomal dominant inheritance. Affected: yes.
Comment: The missense variant c.797G>A (p.Gly266Glu) in PROC gene has not been reported previously as a pathogenic variant nor as a benign variant, to our knowledge. This variant has not been reported to the ClinVar database. The p.Gly266Glu variant is novel (not in any individuals) in gnomAD Exomes and 1000 Genomes. The amino acid Gly at position 266 is changed to a Glu changing protein sequence and it might alter its composition and physico-chemical properties. The amino acid change p.Gly266Glu in PROC is predicted as conserved by GERP++ and PhyloP across 100 vertebrates. For these reasons, this variant has been classified as Uncertain Significance (VUS).

PreventionGenetics, part of Exact Sciences
Classification: Likely pathogenic for PROC-related condition. Last evaluated: 2024-05-20. Review status: no assertion criteria provided. Collection method: clinical testing. Allele origin: germline. Not counted in ClinVar's aggregate classification.
Comment: The PROC c.797G>A variant is predicted to result in the amino acid substitution p.Gly266Glu. This variant has been reported in four heterozygous carriers from three families affected with Protein C deficiency (Alhenc-Gelas et al. 2020. PubMed ID: 32717757). To our knowledge, no homozygous affected individuals have been reported. An alternate missense variant at the same amino acid position has also been reported in affected individuals (Kim et al. 2014. PubMed ID: 24162787; Alhenc-Gelas et al. 2020. PubMed ID: 32717757). This variant has not been reported in a large population database, indicating this variant is rare. Based on the collective evidence, we classify this variant as likely pathogenic.